The following is an entry in ClinVar:

NM_025114.4(CEP290):c.6764G>A (p.Gly2255Asp)

Gene: CEP290 (centrosomal protein 290; minus strand). Cytogenetic location: 12q21.32.
Variant type: single nucleotide variant.
Coding change: c.6764G>A on transcript NM_025114.4 (MANE Select); coding-DNA position 6764, G replaced by A.
Protein change: p.Gly2255Asp; replaces glycine 2255 with aspartic acid.
Molecular consequence: missense variant.
Genome position (GRCh38, 1-based): chr12:88,058,902, C>T on the plus strand (G>A on the coding strand, the complement: CEP290 is on the minus strand). VCF-style: chr12-88058902-C-T. GRCh37 (hg19) VCF-style: chr12-88452679-C-T.
Other names: short protein forms G2255D.
Identifiers: ClinVar variation 166827 (VCV000166827.15), dbSNP rs377561473, ClinGen allele CA233666.

ClinVar aggregate classification (germline): Uncertain significance. Review status: criteria provided, multiple submitters, no conflicts (2 of 4 stars). 3 submissions from 3 submitters: Uncertain significance (3). Last evaluated 2023-10-01.

Conditions:
Retinal dystrophy. Also called: Inherited retinal dystrophy. Identifiers: Orphanet 71862, MedGen C0854723, MeSH D058499, MONDO:0019118, HP:0000556.
Nephronophthisis. Also called: Juvenile Nephronophthisis. Identifiers: Orphanet 655, MedGen C0687120, MONDO:0019005, HP:0000090.
Joubert syndrome. Also called: JOUBERT-BOLTSHAUSER SYNDROME; Familial aplasia of the vermis. Identifiers: Orphanet 475, MedGen C5979921, MONDO:0018772.
Meckel-Gruber syndrome. Also called: Dysencephalia splachnocystica; DYSENCEPHALIA SPLANCHNOCYSTICA; GRUBER SYNDROME. Identifiers: Orphanet 564, MedGen C0265215, MONDO:0018921.

Allele frequency attached by ClinVar (database versions not stated): TOPMed below 0.00001; gnomAD exomes below 0.00001.
gnomAD v4.1: 4 of 1,613,952 alleles (0.00025%); highest among the groups gnomAD compares: Non-Finnish European, 0.00034%; no homozygotes.

Submissions (3):

Dept Of Ophthalmology, Nagoya University
Classification: Uncertain significance for Retinal dystrophy. Last evaluated: 2023-10-01. Review status: criteria provided, single submitter. Criteria: Submitter's publication. Collection method: research. Allele origin: germline. Affected: yes.

Labcorp Genetics (formerly Invitae), Labcorp
Classification: Uncertain significance for Joubert syndrome; Meckel-Gruber syndrome; Nephronophthisis. Last evaluated: 2021-10-13. Review status: criteria provided, single submitter. Criteria: Invitae Variant Classification Sherloc (09022015). Collection method: clinical testing. Allele origin: germline.
Comment: This variant is not present in population databases (ExAC no frequency). This sequence change replaces glycine with aspartic acid at codon 2255 of the CEP290 protein (p.Gly2255Asp). The glycine residue is moderately conserved and there is a moderate physicochemical difference between glycine and aspartic acid. Algorithms developed to predict the effect of missense changes on protein structure and function are either unavailable or do not agree on the potential impact of this missense change (SIFT: "Deleterious"; PolyPhen-2: "Possibly Damaging"; Align-GVGD: "Class C0"). ClinVar contains an entry for this variant (Variation ID: 166827). This variant has not been reported in the literature in individuals affected with CEP290-related conditions. In summary, the available evidence is currently insufficient to determine the role of this variant in disease. Therefore, it has been classified as a Variant of Uncertain Significance.

Eurofins Ntd Llc (ga)
Classification: Uncertain significance. Last evaluated: 2014-01-30. Review status: criteria provided, single submitter. Criteria: EGL Classification Definitions 2015. Collection method: clinical testing. Allele origin: germline. Observed: 1 variant allele, 1 heterozygote.